The following is an entry in ClinVar:

ClinVar aggregate classification (germline): Conflicting classifications of pathogenicity. Review status: criteria provided, conflicting classifications (1 of 4 stars). 5 submissions from 5 submitters: Uncertain significance (2); Benign (1); Likely benign (2). Last evaluated 2025-01-16.

Conditions:
Intellectual developmental disorder, X-linked 63. Also called: MENTAL RETARDATION, X-LINKED 68; Intellectual disability, X-linked 63. Identifiers: Orphanet 777, MedGen C1845672, MONDO:0010313, OMIM 300387.
ACSL4-related disorder. Also called: ACSL4-related condition.
Inborn genetic diseases. Identifiers: MedGen C0950123, MeSH D030342.

Allele frequency attached by ClinVar (database versions not stated): gnomAD exomes 0.00005 and 0.00004; gnomAD 0.00001 and 0.00002; TOPMed 0.00006; ExAC 0.00007.
gnomAD v4.1: 51 of 1,210,671 alleles (0.0042%); highest among the groups gnomAD compares: Middle Eastern, 0.14%; no homozygotes.

Submissions (5):

PreventionGenetics, part of Exact Sciences
Classification: Likely benign for ACSL4-related condition. Last evaluated: 2025-01-16. Review status: criteria provided, single submitter. Criteria: ACMG Guidelines, 2015. Collection method: clinical testing. Allele origin: germline.
Comment: This variant is classified as likely benign based on ACMG/AMP sequence variant interpretation guidelines (Richards et al. 2015 PMID: 25741868, with internal and published modifications).

Dr.Nikuei Genetic Center
Classification: Benign for Intellectual developmental disorder, X-linked 63. Last evaluated: 2024-06-27. Review status: criteria provided, single submitter. Criteria: ACMG Guidelines, 2015. Collection method: clinical testing. Allele origin: germline. Affected: no.

Ambry Genetics
Classification: Likely benign for Inborn genetic diseases. Last evaluated: 2022-01-31. Review status: criteria provided, single submitter. Criteria: Ambry Variant Classification Scheme 2023. Collection method: clinical testing. Allele origin: germline.

Revvity Omics, Revvity
Classification: Uncertain significance for Intellectual developmental disorder, X-linked 63. Last evaluated: 2021-09-21. Review status: criteria provided, single submitter. Criteria: ACMG Guidelines, 2015. Collection method: clinical testing. Allele origin: germline.

Genetic Services Laboratory, University of Chicago
Classification: Uncertain significance. Last evaluated: 2017-08-07. Review status: criteria provided, single submitter. Criteria: ACMG Guidelines, 2015. Collection method: clinical testing. Allele origin: germline. Affected: no.

NM_001318510.2(ACSL4):c.90A>G (p.Ile30Met)

Gene: ACSL4 (acyl-CoA synthetase long chain family member 4; minus strand). Cytogenetic location: Xq23.
Variant type: single nucleotide variant.
Coding change: c.90A>G on transcript NM_001318510.2 (MANE Select); coding-DNA position 90, A replaced by G.
Protein change: p.Ile30Met; replaces isoleucine 30 with methionine.
Molecular consequence: missense variant.
Genome position (GRCh38, 1-based): chrX:109,683,274, T>C on the plus strand (A>G on the coding strand, the complement: ACSL4 is on the minus strand). VCF-style: chrX-109683274-T-C. GRCh37 (hg19) VCF-style: chrX-108926503-T-C.
Other names: c.213A>G, p.Ile71Met (NM_001318509.2, NM_022977.3); c.90A>G, p.Ile30Met (NM_004458.3); c.213A>G (NM_022977.2); short protein forms I30M, I71M.
Identifiers: ClinVar variation 1338218 (VCV001338218.11), dbSNP rs750659716, ClinGen allele CA10491240.
Genomic context (GRCh38, chrX:109,683,274, plus strand): 5'-CCCAAACTTGGATACAGCATGGTCAAATAATTTATCCAGAGTATCTGCTCCAGGGATGTC[T>C]ATTACAGCTAGTGAGTCGAAGTGTGTGACAGAGCGATATGGACTTCCAGGTTTGTCTGAA-3'
Protein context (NP_001305439.1, residues 20-40): SVTHFDSLAV[Ile30Met]DIPGADTLDK